The following is an entry in ClinVar:

ClinVar aggregate classification (germline): Uncertain significance (1 of 4 stars; one submission).

Conditions:
Hereditary cancer-predisposing syndrome. Also called: Neoplastic Syndromes, Hereditary; Tumor predisposition; Hereditary neoplastic syndrome; Hereditary Cancer Syndrome. Identifiers: Orphanet 140162, MedGen C0027672, MeSH D009386, MONDO:0015356.

Submission:

Ambry Genetics
Classification: Uncertain significance for Hereditary cancer-predisposing syndrome. Last evaluated: 2026-07-07. Review status: criteria provided, single submitter. Criteria: Ambry Variant Classification Scheme 2023. Collection method: clinical testing. Allele origin: germline.
Comment: The p.S1199R variant (also known as c.3595A>C), located in coding exon 7 of the MSH6 gene, results from an A to C substitution at nucleotide position 3595. The serine at codon 1199 is replaced by arginine, an amino acid with dissimilar properties. This amino acid position is conserved. In addition, this alteration is predicted to be deleterious by in silico analysis. Based on the available evidence, the clinical significance of this variant remains unclear.

NM_000179.3(MSH6):c.3595A>C (p.Ser1199Arg)

Gene: MSH6 (mutS homolog 6; plus strand). Cytogenetic location: 2p16.3.
Variant type: single nucleotide variant.
Coding change: c.3595A>C on transcript NM_000179.3 (MANE Select); coding-DNA position 3595, A replaced by C.
Protein change: p.Ser1199Arg; replaces serine 1199 with arginine.
Molecular consequence: missense variant. On other transcripts: non-coding transcript variant (5).
Genome position (GRCh38, 1-based): chr2:47,805,656, A>C. VCF-style: chr2-47805656-A-C. GRCh37 (hg19) VCF-style: chr2-48032795-A-C.
Other names: c.3595A>C, p.Ser1199Arg (NM_001406809.1, NM_001406800.1, NM_001406808.1 and 1 more transcripts); c.2689A>C, p.Ser897Arg (NM_001406811.1, NM_001406812.1, NM_001406814.1 and 6 more transcripts); c.3601A>C, p.Ser1201Arg (NM_001406813.1); c.2029A>C, p.Ser677Arg (NM_001406817.1); c.3298A>C, p.Ser1100Arg (NM_001406818.1, NM_001406819.1, NM_001406820.1 and 10 more transcripts); c.3427A>C, p.Ser1143Arg (NM_001406826.1); c.376A>C, p.Ser126Arg (NM_001406831.1); c.442A>C, p.Ser148Arg (NM_001406832.1); and 7 more; short protein forms S1024R, S1173R, S1199R, S126R, S677R, S911R, S1201R, S148R.
Identifiers: ClinVar variation 5024902 (VCV005024902.1).
Genomic context (GRCh38, chr2:47,805,656, plus strand): 5'-TTGTGATTTTTTTTTTTTTAAGGTGAAAGTACATTTTTTGTTGAATTAAGTGAAACTGCC[A>C]GCATACTCATGCATGCAACAGCACATTCTCTGGTGCTTGTGGATGAATTAGGTAAGACAT-3'
Protein context (NP_000170.1, residues 1189-1209): TFFVELSETA[Ser1199Arg]ILMHATAHSL